The following is an entry in ClinVar:

NM_017780.4(CHD7):c.342C>A (p.Pro114=)

Gene: CHD7 (chromodomain helicase DNA binding protein 7; plus strand). Cytogenetic location: 8q12.2.
Variant type: single nucleotide variant.
Coding change: c.342C>A on transcript NM_017780.4 (MANE Select); coding-DNA position 342, C replaced by A.
Protein change: p.Pro114=; no amino-acid change (proline 114 retained).
Molecular consequence: synonymous variant.
Genome position (GRCh38, 1-based): chr8:60,741,774, C>A. VCF-style: chr8-60741774-C-A. GRCh37 (hg19) VCF-style: chr8-61654333-C-A.
Other names: c.342C>A, p.Pro114= (NM_001316690.1).
Identifiers: ClinVar variation 2658613 (VCV002658613.25), dbSNP rs1475695947, ClinGen allele CA461103726.

ClinVar aggregate classification (germline): Likely benign. Review status: criteria provided, multiple submitters, no conflicts (2 of 4 stars). 2 submissions from 2 submitters: Likely benign (2). Last evaluated 2025-09-28.

Conditions:
CHARGE syndrome (CHARGE). Also called: Hittner Hirsch Kreh syndrome; CHARGE ASSOCIATION--COLOBOMA, HEART ANOMALY, CHOANAL ATRESIA, RETARDATION, GENITAL AND EAR ANOMALIES; Coloboma, heart anomaly, choanal atresia, retardation, genital and ear anomalies; CHARGE association; Hall-Hittner syndrome. Identifiers: Orphanet 138, MedGen C0265354, MONDO:0008965.

Allele frequency attached by ClinVar (database versions not stated): TOPMed below 0.00001.
gnomAD v4.1: 4 of 1,613,900 alleles (0.00025%); highest among the groups gnomAD compares: Middle Eastern, 0.016%; no homozygotes.

Submissions (2):

Labcorp Genetics (formerly Invitae), Labcorp
Classification: Likely benign for CHARGE syndrome. Last evaluated: 2025-09-28. Review status: criteria provided, single submitter. Criteria: Invitae Variant Classification Sherloc (09022015). Collection method: clinical testing. Allele origin: germline.

CeGaT Center for Human Genetics Tuebingen
Classification: Likely benign. Last evaluated: 2023-02-01. Review status: criteria provided, single submitter. Criteria: CeGaT Center For Human Genetics Tuebingen Variant Classification Criteria Version 2. Collection method: clinical testing. Allele origin: germline. Affected: yes. Observed: 1 variant allele.
Comment: CHD7: BP4, BP7